The following is an entry in ClinVar:

NM_000388.4(CASR):c.1657G>A (p.Gly553Arg)

Gene: CASR (calcium sensing receptor; plus strand). Cytogenetic location: 3q21.1.
Variant type: single nucleotide variant.
Coding change: c.1657G>A on transcript NM_000388.4 (MANE Select); coding-DNA position 1657, G replaced by A.
Protein change: p.Gly553Arg; replaces glycine 553 with arginine.
Molecular consequence: missense variant.
Genome position (GRCh38, 1-based): chr3:122,282,161, G>A. VCF-style: chr3-122282161-G-A. GRCh37 (hg19) VCF-style: chr3-122001008-G-A.
Other names: c.1687G>A, p.Gly563Arg (NM_001178065.2); short protein forms G553R, G563R.
Identifiers: ClinVar variation 8357 (VCV000008357.5), dbSNP rs104893719, ClinGen allele CA119547.

ClinVar aggregate classification (germline): Likely pathogenic. Review status: criteria provided, multiple submitters, no conflicts (2 of 4 stars). 4 submissions from 4 submitters: Likely pathogenic (3). 1 of the submissions does not count toward it. Last evaluated 2025-03-04.

Conditions:
Familial hypocalciuric hypercalcemia 1. Also called: Hypercalcemia, familial benign type 1. Identifiers: Orphanet 405, Orphanet 93372, MedGen C0342637, MONDO:0007791, OMIM 145980.
Familial hyperparathyroidism or Hypocalciuric hypercalcaemia.

Submissions (4):

Center for Genomic Medicine, Rigshospitalet, Copenhagen University Hospital
Classification: Likely pathogenic. Last evaluated: 2025-03-04. Review status: criteria provided, single submitter. Criteria: ACMG Guidelines, 2015. Collection method: clinical testing. Allele origin: germline.

Cambridge Genomics Laboratory, East Genomic Laboratory Hub, NHS Genomic Medicine Service
Classification: Likely pathogenic for Familial hyperparathyroidism or Hypocalciuric hypercalcaemia. Last evaluated: 2025-02-06. Review status: criteria provided, single submitter. Criteria: ACGS Best Practice Guidelines for Variant Classification in Rare Disease 2020. Collection method: clinical testing. Allele origin: germline. Affected: yes.
Comment: PS3_Supporting,PS4_Moderate,PM1_Supporting,PM2,PP1,PP3

Genomic Medicine Center of Excellence, King Faisal Specialist Hospital and Research Centre
Classification: Likely pathogenic for Familial hypocalciuric hypercalcemia 1. Last evaluated: 2024-03-29. Review status: criteria provided, single submitter. Criteria: ACMG Guidelines, 2015. Collection method: clinical testing. Allele origin: germline.

OMIM
Classification: Pathogenic for HYPOCALCIURIC HYPERCALCEMIA, FAMILIAL, TYPE I. Last evaluated: 2007-11-01. Review status: no assertion criteria provided. Collection method: literature only. Allele origin: germline. Not counted in ClinVar's aggregate classification.

Literature cited by the submitters: PubMed 17698911 (cited by Center for Genomic Medicine, Rigshospitalet, Copenhagen University Hospital and OMIM); PubMed 10885494 (cited by Center for Genomic Medicine, Rigshospitalet, Copenhagen University Hospital); PubMed 19389809 (cited by Center for Genomic Medicine, Rigshospitalet, Copenhagen University Hospital).